The following is an entry in ClinVar:

ClinVar aggregate classification (germline): Uncertain significance. Review status: criteria provided, multiple submitters, no conflicts (2 of 4 stars). 3 submissions from 3 submitters: Uncertain significance (3). Last evaluated 2024-05-09.

Conditions:
Chédiak-Higashi syndrome (CHS). Also called: Chediak-Higashi Syndrome. Identifiers: Orphanet 167, MedGen C0007965, MONDO:0008963, OMIM 214500.

Submissions (3):

Mayo Clinic Laboratories, Mayo Clinic
Classification: Uncertain significance. Last evaluated: 2024-05-09. Review status: criteria provided, single submitter. Criteria: ACMG Guidelines, 2015. Collection method: clinical testing. Allele origin: germline. Observed: 1 variant allele.

Labcorp Genetics (formerly Invitae), Labcorp
Classification: Uncertain significance for Chédiak-Higashi syndrome. Last evaluated: 2022-08-09. Review status: criteria provided, single submitter. Criteria: Invitae Variant Classification Sherloc (09022015). Collection method: clinical testing. Allele origin: germline.
Comment: This variant, c.6797_6799del, results in the deletion of 1 amino acid(s) of the LYST protein (p.Val2266del), but otherwise preserves the integrity of the reading frame. This variant is present in population databases (rs775644538, gnomAD 0.01%). This variant has not been reported in the literature in individuals affected with LYST-related conditions. Experimental studies and prediction algorithms are not available or were not evaluated, and the functional significance of this variant is currently unknown. In summary, the available evidence is currently insufficient to determine the role of this variant in disease. Therefore, it has been classified as a Variant of Uncertain Significance.

Fulgent Genetics
Classification: Uncertain significance for Chédiak-Higashi syndrome. Last evaluated: 2021-07-28. Review status: criteria provided, single submitter. Criteria: ACMG Guidelines, 2015. Collection method: clinical testing. Allele origin: unknown.

NM_000081.4(LYST):c.6794TTG[1] (p.Val2266del)

Gene: LYST (lysosomal trafficking regulator; minus strand). Cytogenetic location: 1q42.3.
Variant type: Microsatellite.
Coding change: c.6794TTG[1] on transcript NM_000081.4 (MANE Select); one copy of the 3-base unit TTG starting at c.6794; the reference has two copies in a row; one copy, 3 bases deleted; also written c.6797_6799del.
Protein change: p.Val2266del; deletes valine 2266.
Molecular consequence: inframe deletion.
Genome position (GRCh38, 1-based): chr1:235,759,054-235,759,056, CAA deleted on the plus strand (TTG on the coding strand, the reverse complement: LYST is on the minus strand); deleting any 3 consecutive bases within chr1:235,759,054-235,759,059 gives the same sequence; the position shown is the placement nearest the transcript's 3' end. VCF-style (leftmost placement, unchanged base first): chr1-235759053-TCAA-T. GRCh37 (hg19) VCF-style: chr1-235922353-TCAA-T.
Other names: p.Val2266del; c.6794TTG[1], p.Val2266del (NM_001301365.1); c.6797_6799del (NM_000081.4); short protein forms V2266del.
Identifiers: ClinVar variation 1034739 (VCV001034739.4), dbSNP rs775644538, ClinGen allele CA1466306.